The following is an entry in ClinVar:

ClinVar aggregate classification (germline): Uncertain significance (1 of 4 stars; one submission).

gnomAD v4.1: 13 of 1,608,248 alleles (0.00081%); highest among the groups gnomAD compares: Non-Finnish European, 0.0011%; no homozygotes.

Submission:

Mayo Clinic Laboratories, Mayo Clinic
Classification: Uncertain significance. Last evaluated: 2024-03-06. Review status: criteria provided, single submitter. Criteria: ACMG Guidelines, 2015. Collection method: clinical testing. Allele origin: germline. Observed: 1 variant allele.
Comment: BP4, PM2

NM_016011.5(MECR):c.76T>G (p.Cys26Gly)

Gene: MECR (mitochondrial trans-2-enoyl-CoA reductase; minus strand). Cytogenetic location: 1p35.3.
Variant type: single nucleotide variant.
Coding change: c.76T>G on transcript NM_016011.5 (MANE Select); coding-DNA position 76, T replaced by G.
Protein change: p.Cys26Gly; replaces cysteine 26 with glycine.
Molecular consequence: missense variant. On other transcripts: 5 prime UTR variant (6), non-coding transcript variant (4).
Genome position (GRCh38, 1-based): chr1:29,230,831, A>C on the plus strand (T>G on the coding strand, the complement: MECR is on the minus strand). VCF-style: chr1-29230831-A-C. GRCh37 (hg19) VCF-style: chr1-29557343-A-C.
Other names: p.Cys26Gly; c.-280T>G (NM_001024732.4); c.-484T>G (NM_001349711.2); c.-485T>G (NM_001349712.2); c.-362T>G (NM_001349713.2); c.-274T>G (NM_001349714.2); c.76T>G, p.Cys26Gly (NM_001349715.2, NM_001349716.2); c.-67T>G (NM_001349717.2); short protein forms C26G.
Identifiers: ClinVar variation 3379552 (VCV003379552.1).
Genomic context (GRCh38, chr1:29,230,831, plus strand): 5'-GCGCCCGGACCCGGGCAGGCTCGGCGGATGCGGAGTAGGAGGAGGCGGCAGGTCCGTGAC[A>C]GCCAGAAGCTGGGAGCAGCCCCCGCCACTGCCGGGCGGGGGTTCGCACCCGCCACAGGGT-3'
Protein context (NP_057095.4, residues 16-36): QWRGLLPASG[Cys26Gly]HGPAASSYSA